The following is an entry in ClinVar:

NM_020436.5(SALL4):c.534C>G (p.Asn178Lys)

Gene: SALL4 (spalt like transcription factor 4; minus strand). Cytogenetic location: 20q13.2.
Variant type: single nucleotide variant.
Coding change: c.534C>G on transcript NM_020436.5 (MANE Select); coding-DNA position 534, C replaced by G.
Protein change: p.Asn178Lys; replaces asparagine 178 with lysine.
Molecular consequence: missense variant.
Genome position (GRCh38, 1-based): chr20:51,791,949, G>C on the plus strand (C>G on the coding strand, the complement: SALL4 is on the minus strand). VCF-style: chr20-51791949-G-C. GRCh37 (hg19) VCF-style: chr20-50408488-G-C.
Other names: c.534C>G, p.Asn178Lys (NM_001318031.2); short protein forms N178K.
Identifiers: ClinVar variation 3050879 (VCV003050879.2), dbSNP rs1395484828, ClinGen allele CA409017025.

ClinVar aggregate classification (germline): Uncertain significance (0 of 4 stars; one submission).

Conditions:
SALL4-Related Disorders. Also called: SALL4-related disorder; SALL4-related condition. Identifiers: MedGen CN381056.

Submission:

PreventionGenetics, part of Exact Sciences
Classification: Uncertain significance for SALL4-related condition. Last evaluated: 2023-12-21. Review status: no assertion criteria provided. Collection method: clinical testing. Allele origin: germline.
Comment: The SALL4 c.534C>G variant is predicted to result in the amino acid substitution p.Asn178Lys. To our knowledge, this variant has not been reported in the literature or in a large population database, indicating this variant is rare. At this time, the clinical significance of this variant is uncertain due to the absence of conclusive functional and genetic evidence.